The following is an entry in ClinVar:

NM_000918.4(P4HB):c.1453G>A (p.Glu485Lys)

Gene: P4HB (prolyl 4-hydroxylase subunit beta; minus strand). Cytogenetic location: 17q25.3.
Variant type: single nucleotide variant.
Coding change: c.1453G>A on transcript NM_000918.4 (MANE Select); coding-DNA position 1453, G replaced by A.
Protein change: p.Glu485Lys; replaces glutamic acid 485 with lysine.
Molecular consequence: missense variant.
Genome position (GRCh38, 1-based): chr17:81,844,086, C>T on the plus strand (G>A on the coding strand, the complement: P4HB is on the minus strand). VCF-style: chr17-81844086-C-T. GRCh37 (hg19) VCF-style: chr17-79801962-C-T.
Other names: short protein forms E485K.
Identifiers: ClinVar variation 4749226 (VCV004749226.1).

ClinVar aggregate classification (germline): Uncertain significance (1 of 4 stars; one submission).

gnomAD v4.1: 17 of 1,612,306 alleles (0.0011%); highest among the groups gnomAD compares: Non-Finnish European, 0.0014%; no homozygotes.

Submission:

Labcorp Genetics (formerly Invitae), Labcorp
Classification: Uncertain significance. Last evaluated: 2025-10-14. Review status: criteria provided, single submitter. Criteria: Invitae Variant Classification Sherloc (09022015). Collection method: clinical testing. Allele origin: germline.
Comment: This sequence change replaces glutamic acid, which is acidic and polar, with lysine, which is basic and polar, at codon 485 of the P4HB protein (p.Glu485Lys). This variant is present in population databases (rs773104539, gnomAD 0.0009%). This variant has not been reported in the literature in individuals affected with P4HB-related conditions. An algorithm developed to predict the effect of missense changes on protein structure and function (PolyPhen-2) suggests that this variant is likely to be disruptive. In summary, the available evidence is currently insufficient to determine the role of this variant in disease. Therefore, it has been classified as a Variant of Uncertain Significance.